The following is an entry in ClinVar:

NM_000501.4(ELN):c.1149C>A (p.Tyr383Ter)

Gene: ELN (elastin; plus strand). Cytogenetic location: 7q11.23.
Variant type: single nucleotide variant.
Coding change: c.1149C>A on transcript NM_000501.4 (MANE Select); coding-DNA position 1149, C replaced by A.
Protein change: p.Tyr383Ter; replaces tyrosine 383 with a stop codon.
Molecular consequence: nonsense.
Genome position (GRCh38, 1-based): chr7:74,054,768, C>A. VCF-style: chr7-74054768-C-A. GRCh37 (hg19) VCF-style: chr7-73469098-C-A.
Other names: c.1119C>A, p.Tyr373Ter (NM_001081752.3, NM_001278917.2); c.1164C>A, p.Tyr388Ter (NM_001081753.3, NM_001081754.3); c.1149C>A, p.Tyr383Ter (NM_001081755.3, NM_001278912.2, NM_001278915.2 and 1 more transcripts); c.1041C>A, p.Tyr347Ter (NM_001278913.2); c.1134C>A, p.Tyr378Ter (NM_001278914.2); c.1107C>A, p.Tyr369Ter (NM_001278916.2); c.1017C>A, p.Tyr339Ter (NM_001278918.2); short protein forms Y369*, Y373*, Y388*, Y339*, Y378*, Y383*, Y347*.
Identifiers: ClinVar variation 835472 (VCV000835472.8), dbSNP rs199621188, ClinGen allele CA367881566.

ClinVar aggregate classification (germline): Pathogenic/Likely pathogenic. Review status: criteria provided, multiple submitters, no conflicts (2 of 4 stars). 2 submissions from 2 submitters: Pathogenic (1); Likely pathogenic (1). Last evaluated 2023-10-10.

Conditions:
Supravalvar aortic stenosis (SVAS). Also called: Supravalvar aortic stenosis, Eisenberg type. Identifiers: Orphanet 3193, MedGen C0003499, MONDO:0008504, OMIM 185500, HP:0004381.
Cutis laxa, autosomal dominant 1 (ADCL1). Also called: ELN-Related Cutis Laxa. Identifiers: Orphanet 90348, MedGen C3276539, MONDO:0007411, OMIM 123700. Disease mechanism: Dominant Negative.
Williams syndrome (WBS). Also called: WILLIAMS-BEUREN SYNDROME; CHROMOSOME 7q11.23 DELETION SYNDROME, 1.5- TO 1.8-MB. Identifiers: Orphanet 904, MedGen C0175702, MONDO:0008678, OMIM 194050. Disease mechanism: loss of function.

Submissions (2):

Labcorp Genetics (formerly Invitae), Labcorp
Classification: Pathogenic for Supravalvar aortic stenosis. Last evaluated: 2023-10-10. Review status: criteria provided, single submitter. Criteria: Invitae Variant Classification Sherloc (09022015). Collection method: clinical testing. Allele origin: germline.
Comment: This sequence change creates a premature translational stop signal (p.Tyr383*) in the ELN gene. It is expected to result in an absent or disrupted protein product. Loss-of-function variants in ELN are known to be pathogenic (PMID: 11175284). This variant is not present in population databases (gnomAD no frequency). This variant has not been reported in the literature in individuals affected with ELN-related conditions. ClinVar contains an entry for this variant (Variation ID: 835472). For these reasons, this variant has been classified as Pathogenic.

Fulgent Genetics
Classification: Likely pathogenic for Cutis laxa, autosomal dominant 1; Supravalvar aortic stenosis; Williams syndrome. Last evaluated: 2022-03-09. Review status: criteria provided, single submitter. Criteria: ACMG Guidelines, 2015. Collection method: clinical testing. Allele origin: unknown.

Literature cited by the submitters: PubMed 11175284 (cited by Labcorp Genetics (formerly Invitae), Labcorp).